The following is an entry in ClinVar:

NM_173543.3(DZIP1L):c.925C>T (p.Arg309Ter)

Gene: DZIP1L (DAZ interacting zinc finger protein 1 like; minus strand). Cytogenetic location: 3q22.3.
Variant type: single nucleotide variant.
Coding change: c.925C>T on transcript NM_173543.3 (MANE Select); coding-DNA position 925, C replaced by T.
Protein change: p.Arg309Ter; replaces arginine 309 with a stop codon.
Molecular consequence: nonsense.
Genome position (GRCh38, 1-based): chr3:138,088,453, G>A on the plus strand (C>T on the coding strand, the complement: DZIP1L is on the minus strand). VCF-style: chr3-138088453-G-A. GRCh37 (hg19) VCF-style: chr3-137807295-G-A.
Other names: c.925C>T, p.Arg309Ter (NM_001170538.1); short protein forms R309*.
Identifiers: ClinVar variation 3351043 (VCV003351043.3).

ClinVar aggregate classification (germline): Pathogenic. Review status: criteria provided, single submitter (1 of 4 stars). 2 submissions from 2 submitters: Pathogenic (1). 1 of the submissions does not count toward it. Last evaluated 2025-06-12.

Conditions:
DZIP1L-related disorder. Also called: DZIP1L-related condition.

gnomAD v4.1: 80 of 1,613,920 alleles (0.005%); highest among the groups gnomAD compares: African/African-American, 0.033%; no homozygotes.

Submissions (2):

Labcorp Genetics (formerly Invitae), Labcorp
Classification: Pathogenic. Last evaluated: 2025-06-12. Review status: criteria provided, single submitter. Criteria: Invitae Variant Classification Sherloc (09022015). Collection method: clinical testing. Allele origin: germline.
Comment: This sequence change creates a premature translational stop signal (p.Arg309*) in the DZIP1L gene. It is expected to result in an absent or disrupted protein product. Loss-of-function variants in DZIP1L are known to be pathogenic (PMID: 28530676). This variant is present in population databases (rs147343775, gnomAD 0.04%). This variant has not been reported in the literature in individuals affected with DZIP1L-related conditions. ClinVar contains an entry for this variant (Variation ID: 3351043). For these reasons, this variant has been classified as Pathogenic.

PreventionGenetics, part of Exact Sciences
Classification: Pathogenic for DZIP1L-related condition. Last evaluated: 2024-04-19. Review status: no assertion criteria provided. Collection method: clinical testing. Allele origin: germline. Not counted in ClinVar's aggregate classification.
Comment: The DZIP1L c.925C>T variant is predicted to result in premature protein termination (p.Arg309*). To our knowledge, this variant has not been reported in the literature. This variant is reported in 0.040% of alleles in individuals of African descent in gnomAD. Nonsense variants in DZIP1L are expected to be pathogenic. This variant is interpreted as pathogenic.

Literature cited by the submitters: PubMed 28530676 (cited by Labcorp Genetics (formerly Invitae), Labcorp).